The following is an entry in ClinVar:

ClinVar aggregate classification (germline): Uncertain significance (1 of 4 stars; one submission).

Conditions:
Lynch syndrome. Identifiers: Orphanet 144, MedGen C4552100, MONDO:0005835. Disease mechanism: loss of function.

Submission:

Labcorp Genetics (formerly Invitae), Labcorp
Classification: Uncertain significance for Hereditary nonpolyposis colorectal neoplasms. Last evaluated: 2015-10-14. Review status: criteria provided, single submitter. Criteria: Invitae Variant Classification Sherloc (09022015). Collection method: clinical testing. Allele origin: germline.
Comment: This sequence change replaces lysine with methionine at codon 771 of the MSH6 protein (p.Lys771Met). The lysine residue is highly conserved and there is a moderate physicochemical difference between lysine and methionine. This variant is not present in population databases (ExAC no frequency) and has not been reported in the literature. Algorithms developed to predict the effect of missense changes on protein structure and function (SIFT, PolyPhen-2, Align-GVGD) all suggest that this variant is likely to be disruptive, but these predictions have not been confirmed by published functional studies. In summary, this is a novel missense change with uncertain impact on protein function. It has been classified as a Variant of Uncertain Significance.

NM_000179.3(MSH6):c.2312A>T (p.Lys771Met)

Gene: MSH6 (mutS homolog 6; plus strand). Cytogenetic location: 2p16.3.
Variant type: single nucleotide variant.
Coding change: c.2312A>T on transcript NM_000179.3 (MANE Select); coding-DNA position 2312, A replaced by T.
Protein change: p.Lys771Met; replaces lysine 771 with methionine.
Molecular consequence: missense variant.
Genome position (GRCh38, 1-based): chr2:47,800,295, A>T. VCF-style: chr2-47800295-A-T. GRCh37 (hg19) VCF-style: chr2-48027434-A-T.
Other names: c.1922A>T, p.Lys641Met (NM_001281492.2); c.1406A>T, p.Lys469Met (NM_001281493.2, NM_001281494.2); short protein forms K771M, K641M, K469M.
Identifiers: ClinVar variation 220571 (VCV000220571.1), dbSNP rs864622586, ClinGen allele CA350262.
Genomic context (GRCh38, chr2:47,800,295, plus strand): 5'-ATGGTTCTACTGAAGGAACCCTACTAGAGAGGGTTGATACTTGCCATACTCCTTTTGGTA[A>T]GCGGCTCCTAAAGCAATGGCTTTGTGCCCCACTCTGTAACCATTATGCTATTAATGATCG-3'
Protein context (NP_000170.1, residues 761-781): RVDTCHTPFG[Lys771Met]RLLKQWLCAP